The following is an entry in ClinVar:

ClinVar aggregate classification (germline): Uncertain significance (1 of 4 stars; one submission).

Submission:

GeneDx
Classification: Uncertain significance. Last evaluated: 2016-07-13. Review status: criteria provided, single submitter. Criteria: GeneDx Variant Classification (06012015). Collection method: clinical testing. Allele origin: germline. Affected: yes.
Comment: The G1353A variant in the COL4A2 gene has not been reported previously as a pathogenic variant, nor as a benign variant, to our knowledge. The G1353A variant was not observed in approximately 6000 individuals of European and African American ancestry in the NHLBI Exome Sequencing Project, indicating it is not a common benign variant in these populations. The G1353A variant is a conservative amino acid substitution, which is not likely to impact secondary protein structure as these residues share similar properties. However, this substitution occurs at a position that is conserved across species, affecting a Glycine residue of the triple-helical region containing Gly-X-Y repeats. In silico analysis predicts this variant is probably damaging to the protein structure/function. We interpret G1353A as a variant of uncertain significance.

NM_001846.4(COL4A2):c.4058G>C (p.Gly1353Ala)

Genes: COL4A2 (collagen type IV alpha 2 chain; plus strand), COL4A2-AS1 (COL4A2 antisense RNA 1; minus strand). Cytogenetic location: 13q34.
Variant type: single nucleotide variant.
Coding change: c.4058G>C on transcript NM_001846.4 (MANE Select); coding-DNA position 4058, G replaced by C.
Protein change: p.Gly1353Ala; replaces glycine 1353 with alanine.
Molecular consequence: missense variant.
Genome position (GRCh38, 1-based): chr13:110,503,401, G>C. VCF-style: chr13-110503401-G-C. GRCh37 (hg19) VCF-style: chr13-111155748-G-C.
Other names: short protein forms G1353A.
Identifiers: ClinVar variation 421736 (VCV000421736.2), dbSNP rs1064795332, ClinGen allele CA16619617.